The following is an entry in ClinVar:

ClinVar aggregate classification (germline): Uncertain significance (1 of 4 stars; one submission).

Conditions:
Hereditary cancer-predisposing syndrome. Also called: Neoplastic Syndromes, Hereditary; Tumor predisposition; Hereditary Cancer Syndrome; Hereditary neoplastic syndrome. Identifiers: Orphanet 140162, MedGen C0027672, MeSH D009386, MONDO:0015356.

Submission:

Ambry Genetics
Classification: Uncertain significance for Hereditary cancer-predisposing syndrome. Last evaluated: 2024-11-08. Review status: criteria provided, single submitter. Criteria: Ambry Variant Classification Scheme 2023. Collection method: clinical testing. Allele origin: germline.
Comment: The c.551+1G>A intronic variant results from a G to A substitution one nucleotide after coding exon 4 of the RAD50 gene. Alterations that disrupt the canonical splice site are expected to cause aberrant splicing. In silico splice site analysis predicts that this alteration will weaken the native splice donor site. The resulting transcript is predicted to be in-frame and is not expected to trigger nonsense-mediated mRNAdecay; however, direct evidence is unavailable. The exact functional effect of the altered amino acid sequence is unknown. This nucleotide position is highly conserved in available vertebrate species. Based on the available evidence, the clinical significance of this variant remains unclear.

NM_005732.4(RAD50):c.551+1G>A

Gene: RAD50 (RAD50 double strand break repair protein; plus strand). Cytogenetic location: 5q31.1.
Variant type: single nucleotide variant.
Coding change: c.551+1G>A on transcript NM_005732.4 (MANE Select); the canonical splice donor site of the intron after coding-DNA position 551, G replaced by A.
Molecular consequence: splice donor variant.
Genome position (GRCh38, 1-based): chr5:132,579,503, G>A. VCF-style: chr5-132579503-G-A. GRCh37 (hg19) VCF-style: chr5-131915195-G-A.
Identifiers: ClinVar variation 3429515 (VCV003429515.1).
Genomic context (GRCh38, chr5:132,579,503, plus strand): 5'-GCCTTTAAGTGAAGGAAAGGCTTTGAAGCAAAAGTTTGATGAGATTTTTTCAGCAACAAG[G>A]TTTGTAACCCTTAAATAGACTTTGTAGTCCATTAAGTTATTGAACTGTGTTTGCAATTTG-3'